The following is an entry in ClinVar:

NM_001267550.2(TTN):c.12433G>T (p.Glu4145Ter)

Gene: TTN (titin; minus strand). Cytogenetic location: 2q31.2.
Variant type: single nucleotide variant.
Coding change: c.12433G>T on transcript NM_001267550.2 (MANE Select); coding-DNA position 12433, G replaced by T.
Protein change: p.Glu4145Ter; replaces glutamic acid 4145 with a stop codon.
Molecular consequence: nonsense. On other transcripts: intron variant (1).
Genome position (GRCh38, 1-based): chr2:178,740,800, C>A on the plus strand (G>T on the coding strand, the complement: TTN is on the minus strand). VCF-style: chr2-178740800-C-A. GRCh37 (hg19) VCF-style: chr2-179605527-C-A.
Other names: c.11482G>T, p.Glu3828Ter (NM_001256850.1); c.11344G>T, p.Glu3782Ter (NM_003319.4); c.11719G>T, p.Glu3907Ter (NM_133432.3); c.11920G>T, p.Glu3974Ter (NM_133437.4); c.10361-2440G>T (NM_133378.4); short protein forms E3782*, E3828*, E3907*, E3974*, E4145*.
Identifiers: ClinVar variation 3757618 (VCV003757618.2).

ClinVar aggregate classification (germline): Likely pathogenic (1 of 4 stars; one submission).

Conditions:
Dilated cardiomyopathy 1G (CMD1G). Identifiers: Orphanet 154, MedGen C1858763, MONDO:0011400, OMIM 604145.
Autosomal recessive limb-girdle muscular dystrophy type 2J (LGMDR10). Also called: Limb-girdle muscular dystrophy, type 2J; MUSCULAR DYSTROPHY, LIMB-GIRDLE, AUTOSOMAL RECESSIVE 10. Identifiers: Orphanet 140922, MedGen C1837342, MONDO:0012127, OMIM 608807.

Submission:

Labcorp Genetics (formerly Invitae), Labcorp
Classification: Likely pathogenic for Dilated cardiomyopathy 1G; Autosomal recessive limb-girdle muscular dystrophy type 2J. Last evaluated: 2024-08-11. Review status: criteria provided, single submitter. Criteria: Invitae Variant Classification Sherloc (09022015). Collection method: clinical testing. Allele origin: germline.
Comment: This sequence change creates a premature translational stop signal (p.Glu4145*) in the TTN gene. While this is not anticipated to result in nonsense mediated decay, it is expected to create a truncated TTN protein. This variant is not present in population databases (gnomAD no frequency). This premature translational stop signal has been observed in individual(s) with dilated cardiomyopathy (Invitae). This variant is located in the I band of TTN (PMID: 25589632). Truncating variants in this region have been reported in individuals affected with autosomal recessive centronuclear myopathy (PMID: 23975875, Invitae internal data). Truncating variants in this region have also been identified in individuals affected with autosomal dominant dilated cardiomyopathy and/or cardio-related conditions (PMID: 27869827, 32964742, Invitae internal data). In summary, the currently available evidence indicates that the variant is pathogenic, but additional data are needed to prove that conclusively. Therefore, this variant has been classified as Likely Pathogenic.

Literature cited by the submitters: PubMed 25589632; PubMed 23975875; PubMed 27869827; PubMed 32964742.